The following is an entry in ClinVar:

NM_006947.4(SRP72):c.704T>C (p.Ile235Thr)

Gene: SRP72 (signal recognition particle 72; plus strand). Cytogenetic location: 4q12.
Variant type: single nucleotide variant.
Coding change: c.704T>C on transcript NM_006947.4 (MANE Select); coding-DNA position 704, T replaced by C.
Protein change: p.Ile235Thr; replaces isoleucine 235 with threonine.
Molecular consequence: missense variant. On other transcripts: non-coding transcript variant (1), intron variant (1).
Genome position (GRCh38, 1-based): chr4:56,478,440, T>C. VCF-style: chr4-56478440-T-C. GRCh37 (hg19) VCF-style: chr4-57344606-T-C.
Other names: c.642+1738T>C (NM_001267722.2); short protein forms I235T.
Identifiers: ClinVar variation 3962076 (VCV003962076.1).
Genomic context (GRCh38, chr4:56,478,440, plus strand): 5'-ATGGGACTGAGGAAGACCCACAGGCAGAACTGGCCATCATTCATGGTCAGATGGCTTATA[T>C]TCTGCAGCTTCAGGGTCGAACAGAGGAGGCTTTGCAACTTTACAATCAAATAATAAAACT-3'
Protein context (NP_008878.3, residues 225-245): LAIIHGQMAY[Ile235Thr]LQLQGRTEEA

ClinVar aggregate classification (germline): Uncertain significance (1 of 4 stars; one submission).

Submission:

Ambry Genetics
Classification: Uncertain significance. Last evaluated: 2025-04-18. Review status: criteria provided, single submitter. Criteria: Ambry Variant Classification Scheme 2023. Collection method: clinical testing. Allele origin: germline.
Comment: The p.I235T variant (also known as c.704T>C), located in coding exon 7 of the SRP72 gene, results from a T to C substitution at nucleotide position 704. The isoleucine at codon 235 is replaced by threonine, an amino acid with similar properties. This amino acid position is conserved. In addition, this alteration is predicted to be deleterious by in silico analysis. Based on the available evidence, the clinical significance of this variant remains unclear.